The following is an entry in ClinVar:

NM_001330360.2(POLA1):c.1200+4A>G

Gene: POLA1 (DNA polymerase alpha 1, catalytic subunit; plus strand). Cytogenetic location: Xp22.11.
Variant type: single nucleotide variant.
Coding change: c.1200+4A>G on transcript NM_001330360.2 (MANE Select); 4 bases into the intron after coding-DNA position 1200, A replaced by G.
Molecular consequence: intron variant.
Genome position (GRCh38, 1-based): chrX:24,723,271, A>G. VCF-style: chrX-24723271-A-G. GRCh37 (hg19) VCF-style: chrX-24741388-A-G.
Other names: c.1200+4A>G (NM_001378303.1); c.1182+4A>G (NM_016937.4).
Identifiers: ClinVar variation 1354900 (VCV001354900.6), dbSNP rs778914438, ClinGen allele CA10372919.

ClinVar aggregate classification (germline): Uncertain significance (1 of 4 stars; one submission).

Allele frequency attached by ClinVar (database versions not stated): gnomAD exomes below 0.00001 and 0.00001; ExAC 0.00001.
gnomAD v4.1: 1 of 1,094,235 alleles (0.000091%); highest among the groups gnomAD compares: Admixed American, 0.0022%; no homozygotes.

Submission:

Labcorp Genetics (formerly Invitae), Labcorp
Classification: Uncertain significance. Last evaluated: 2021-09-17. Review status: criteria provided, single submitter. Criteria: Invitae Variant Classification Sherloc (09022015). Collection method: clinical testing. Allele origin: germline.
Comment: This sequence change falls in intron 11 of the POLA1 gene. It does not directly change the encoded amino acid sequence of the POLA1 protein. It affects a nucleotide within the consensus splice site of the intron. In summary, the available evidence is currently insufficient to determine the role of this variant in disease. Therefore, it has been classified as a Variant of Uncertain Significance. Variants that disrupt the consensus splice site are a relatively common cause of aberrant splicing (PMID: 17576681, 9536098). Algorithms developed to predict the effect of sequence changes on RNA splicing suggest that this variant may disrupt the consensus splice site. This variant has not been reported in the literature in individuals affected with POLA1-related conditions. This variant is present in population databases (rs778914438, ExAC 0.01%).

Literature cited by the submitters: PubMed 17576681; PubMed 9536098.